The following is an entry in ClinVar:

ClinVar aggregate classification (germline): Uncertain significance (1 of 4 stars; one submission).

Conditions:
Emery-Dreifuss muscular dystrophy 4, autosomal dominant (EDMD4). Also called: EMERY-DREIFUSS MUSCULAR DYSTROPHY 4 WITH VARIABLE FEATURES. Identifiers: Orphanet 261, MedGen C2751807, MONDO:0013071, OMIM 612998.
Autosomal recessive ataxia, Beauce type. Also called: Spinocerebellar ataxia, autosomal recessive 8; ATAXIA, RECESSIVE, OF BEAUCE; SYNE1 Deficiency; SYNE1-Related Autosomal Recessive Cerebellar Ataxia. Identifiers: Orphanet 88644, MedGen C1853116, MONDO:0012549, OMIM 610743.

Allele frequency attached by ClinVar (database versions not stated): gnomAD exomes 0.00001 and 0.00003; ExAC 0.00003.
gnomAD v4.1: 19 of 1,614,076 alleles (0.0012%); highest among the groups gnomAD compares: Non-Finnish European, 0.0016%; no homozygotes.

Submission:

Labcorp Genetics (formerly Invitae), Labcorp
Classification: Uncertain significance for Emery-Dreifuss muscular dystrophy 4, autosomal dominant; Autosomal recessive ataxia, Beauce type. Last evaluated: 2020-08-29. Review status: criteria provided, single submitter. Criteria: Invitae Variant Classification Sherloc (09022015). Collection method: clinical testing. Allele origin: germline.
Comment: This variant has not been reported in the literature in individuals with SYNE1-related conditions. In summary, the available evidence is currently insufficient to determine the role of this variant in disease. Therefore, it has been classified as a Variant of Uncertain Significance. Algorithms developed to predict the effect of missense changes on protein structure and function are either unavailable or do not agree on the potential impact of this missense change (SIFT: "Deleterious"; PolyPhen-2: "Possibly Damaging"; Align-GVGD: "Class C0"). This variant is present in population databases (rs756023993, ExAC 0.006%). This sequence change replaces cysteine with arginine at codon 8005 of the SYNE1 protein (p.Cys8005Arg). The cysteine residue is highly conserved and there is a large physicochemical difference between cysteine and arginine.

NM_182961.4(SYNE1):c.24226T>C (p.Cys8076Arg)

Gene: SYNE1 (spectrin repeat containing nuclear envelope protein 1; minus strand). Cytogenetic location: 6q25.2.
Variant type: single nucleotide variant.
Coding change: c.24226T>C on transcript NM_182961.4 (MANE Select); coding-DNA position 24226, T replaced by C.
Protein change: p.Cys8076Arg; replaces cysteine 8076 with arginine.
Molecular consequence: missense variant.
Genome position (GRCh38, 1-based): chr6:152,152,045, A>G on the plus strand (T>C on the coding strand, the complement: SYNE1 is on the minus strand). VCF-style: chr6-152152045-A-G. GRCh37 (hg19) VCF-style: chr6-152473180-A-G.
Other names: c.832T>C, p.Cys278Arg (NM_001347701.2); c.691T>C, p.Cys231Arg (NM_001347702.2); c.24013T>C, p.Cys8005Arg (NM_033071.5); short protein forms C231R, C278R, C8005R, C8076R.
Identifiers: ClinVar variation 1051391 (VCV001051391.9), dbSNP rs756023993, ClinGen allele CA4053236.